The following is an entry in ClinVar:

NM_001005361.3(DNM2):c.1352G>A (p.Arg451Gln)

Gene: DNM2 (dynamin 2; plus strand). Cytogenetic location: 19p13.2.
Variant type: single nucleotide variant.
Coding change: c.1352G>A on transcript NM_001005361.3 (MANE Select); coding-DNA position 1352, G replaced by A.
Protein change: p.Arg451Gln; replaces arginine 451 with glutamine.
Molecular consequence: missense variant.
Genome position (GRCh38, 1-based): chr19:10,798,502, G>A. VCF-style: chr19-10798502-G-A. GRCh37 (hg19) VCF-style: chr19-10909178-G-A.
Other names: c.1352G>A, p.Arg451Gln (NM_001005360.3, NM_001005362.3, NM_001190716.2 and 1 more transcripts); short protein forms R451Q.
Identifiers: ClinVar variation 245709 (VCV000245709.6), dbSNP rs749154067, ClinGen allele CA9201128.

ClinVar aggregate classification (germline): Uncertain significance. Review status: criteria provided, multiple submitters, no conflicts (2 of 4 stars). 2 submissions from 2 submitters: Uncertain significance (2). Last evaluated 2024-01-11.

Conditions:
Charcot-Marie-Tooth disease dominant intermediate B (CMTDIB). Also called: CHARCOT-MARIE-TOOTH NEUROPATHY, DOMINANT INTERMEDIATE B; Charcot-Marie-Tooth disease dominant intermediate 1; CMT DI1; Charcot-Marie-Tooth disease dominant intermediate I. Identifiers: Orphanet 100044, Orphanet 228179, MedGen C1847902, MONDO:0011674, OMIM 606482.

Allele frequency attached by ClinVar (database versions not stated): gnomAD 0.00001; TOPMed 0.00001; ExAC 0.00002; gnomAD exomes 0.00002.
gnomAD v4.1: 26 of 1,613,890 alleles (0.0016%); highest among the groups gnomAD compares: East Asian, 0.016%; no homozygotes.

Submissions (2):

Labcorp Genetics (formerly Invitae), Labcorp
Classification: Uncertain significance for Charcot-Marie-Tooth disease dominant intermediate B. Last evaluated: 2024-01-11. Review status: criteria provided, single submitter. Criteria: Invitae Variant Classification Sherloc (09022015). Collection method: clinical testing. Allele origin: germline.
Comment: This sequence change replaces arginine, which is basic and polar, with glutamine, which is neutral and polar, at codon 451 of the DNM2 protein (p.Arg451Gln). This variant is present in population databases (rs749154067, gnomAD 0.02%). This variant has not been reported in the literature in individuals affected with DNM2-related conditions. ClinVar contains an entry for this variant (Variation ID: 245709). Advanced modeling of protein sequence and biophysical properties (such as structural, functional, and spatial information, amino acid conservation, physicochemical variation, residue mobility, and thermodynamic stability) has been performed at Invitae for this missense variant, however the output from this modeling did not meet the statistical confidence thresholds required to predict the impact of this variant on DNM2 protein function. In summary, the available evidence is currently insufficient to determine the role of this variant in disease. Therefore, it has been classified as a Variant of Uncertain Significance.

GeneDx
Classification: Uncertain significance. Last evaluated: 2015-03-26. Review status: criteria provided, single submitter. Criteria: GeneDx Variant Classification (06012015). Collection method: clinical testing. Allele origin: germline. Affected: yes.
Comment: The c.1352 G>A variant has not been published as a mutation, nor has it been reported as a benign polymorphism to our knowledge. It was not observed in approximately 6,500 individuals of European and African American ancestry in the NHLBI Exome Sequencing Project, indicating it is not a common benign variant in these populations. Multiple in-silico splice prediction models predict that c.1352 G>A may create a cryptic splice acceptor site in exon 11 which may supplant the natural acceptor site and lead to abnormal splicing. However, in the absence of RNA/functional studies, the actual effect of this sequence change in this individual is unknown. If c.1352 G>A does not alter splicing, it will result in the R451Q missense substitution, which is a semi-conservative amino acid substitution, which may impact secondary protein structure as these residues differ in some properties. This substitution occurs at a position that is conserved across species, and in silico analysis predicts this variant is probably damaging to the protein structure/function. However, missense mutations in nearby residues have not been reported in the Human Gene Mutation Database in association with DNM2-related disorders (Stenson et al., 2014).